The following is an entry in ClinVar:

ClinVar aggregate classification (germline): Pathogenic (1 of 4 stars; one submission).

Submission:

ISCA site 14
Classification: Pathogenic. Last evaluated: 2011-08-12. Review status: criteria provided, single submitter. Criteria: Kaminsky et al. (Genet Med. 2011). Collection method: clinical testing. Allele origin: unknown. Affected: yes. Observed: 1 variant allele.
Comment: Copy number variation identified through the course of routine clinical cytogenomic testing in postnatal populations. Clinical assertions have been curated as described in Kaminsky et al. 2011.

GRCh38/hg38 8q12.3-21.13(chr8:61691800-82537696)x3

Genes: ADHFE1 (alcohol dehydrogenase iron containing 1; plus strand), ARFGEF1 (ARF guanine nucleotide exchange factor 1; minus strand), ARFGEF1-DT (ARFGEF1 divergent transcript; plus strand), ARMC1 (armadillo repeat containing 1; minus strand), ASPH (aspartate beta-hydroxylase; minus strand) and 419 more. Cytogenetic location: 8q12.3-21.13.
Variant type: copy number gain.
Change: copy number 3 (three copies instead of two) of chr8:61,691,800-82,537,696 (20.85 Mb, GRCh38 coordinates, 1-based), cytogenetic band 8q12.3-21.13.
Identifiers: ClinVar variation 59788 (VCV000059788.1).